The following is an entry in ClinVar:

NM_000095.3(COMP):c.1127A>G (p.Asp376Gly)

Gene: COMP (cartilage oligomeric matrix protein; minus strand). Cytogenetic location: 19p13.11.
Variant type: single nucleotide variant.
Coding change: c.1127A>G on transcript NM_000095.3 (MANE Select); coding-DNA position 1127, A replaced by G.
Protein change: p.Asp376Gly; replaces aspartic acid 376 with glycine.
Molecular consequence: missense variant.
Genome position (GRCh38, 1-based): chr19:18,787,499, T>C on the plus strand (A>G on the coding strand, the complement: COMP is on the minus strand). VCF-style: chr19-18787499-T-C. GRCh37 (hg19) VCF-style: chr19-18898308-T-C.
Other names: short protein forms D376G.
Identifiers: ClinVar variation 2861303 (VCV002861303.3), dbSNP rs2145902138, ClinGen allele CA404887716.

ClinVar aggregate classification (germline): Likely pathogenic (1 of 4 stars; one submission).

Submission:

Labcorp Genetics (formerly Invitae), Labcorp
Classification: Likely pathogenic. Last evaluated: 2025-06-17. Review status: criteria provided, single submitter. Criteria: Invitae Variant Classification Sherloc (09022015). Collection method: clinical testing. Allele origin: germline.
Comment: This sequence change replaces aspartic acid, which is acidic and polar, with glycine, which is neutral and non-polar, at codon 376 of the COMP protein (p.Asp376Gly). This variant is not present in population databases (gnomAD no frequency). This missense change has been observed in individual(s) with multiple epiphyseal dysplasia (internal data). ClinVar contains an entry for this variant (Variation ID: 2861303). Invitae Evidence Modeling of protein sequence and biophysical properties (such as structural, functional, and spatial information, amino acid conservation, physicochemical variation, residue mobility, and thermodynamic stability) indicates that this missense variant is expected to disrupt COMP protein function with a positive predictive value of 80%. This variant disrupts the p.Asp376 amino acid residue in COMP. Other variant(s) that disrupt this residue have been determined to be pathogenic (PMID: 15756302, 17133256, 21965141). This suggests that this residue is clinically significant, and that variants that disrupt this residue are likely to be disease-causing. In summary, the currently available evidence indicates that the variant is pathogenic, but additional data are needed to prove that conclusively. Therefore, this variant has been classified as Likely Pathogenic.

Literature cited by the submitters: PubMed 15756302; PubMed 17133256; PubMed 21965141.